The following is an entry in ClinVar:

NM_000359.3(TGM1):c.2226-2_2226-1dup

Gene: TGM1 (transglutaminase 1; minus strand). Cytogenetic location: 14q12.
Variant type: Duplication.
Coding change: c.2226-2_2226-1dup on transcript NM_000359.3 (MANE Select); the canonical splice acceptor site of the intron before coding-DNA position 2226, 2 bases duplicated (AG; older notation c.2226-2_2226-1dupAG).
Molecular consequence: splice acceptor variant.
Genome position (GRCh38, 1-based): chr14:24,249,542-24,249,543, CT duplicated on the plus strand (AG on the coding strand, the reverse complement: TGM1 is on the minus strand). VCF-style (leftmost placement, unchanged base first): chr14-24249541-C-CCT. GRCh37 (hg19) VCF-style: chr14-24718747-C-CCT.
Identifiers: ClinVar variation 1360806 (VCV001360806.6), dbSNP rs2139013779, ClinGen allele CA2573149809.

ClinVar aggregate classification (germline): Pathogenic (1 of 4 stars; one submission).

Submission:

Labcorp Genetics (formerly Invitae), Labcorp
Classification: Pathogenic. Last evaluated: 2021-03-11. Review status: criteria provided, single submitter. Criteria: Invitae Variant Classification Sherloc (09022015). Collection method: clinical testing. Allele origin: germline.
Comment: Algorithms developed to predict the effect of sequence changes on RNA splicing suggest that this variant may create or strengthen a splice site, but this prediction has not been confirmed by published transcriptional studies. This sequence change creates a premature translational stop signal (p.Asp743Glyfs*9) in the TGM1 gene. While this is not anticipated to result in nonsense mediated decay, it is expected to disrupt the last 75 amino acid(s) of the TGM1 protein. This variant is not present in population databases (ExAC no frequency). This variant has not been reported in the literature in individuals with TGM1-related conditions. This variant disrupts the C-terminus of the TGM1 protein. Other variant(s) that disrupt this region (p.Arg760*) have been determined to be pathogenic (PMID: 10914678, 21668430). This suggests that variants that disrupt this region of the protein are likely to be causative of disease. For these reasons, this variant has been classified as Pathogenic.

Literature cited by the submitters: PubMed 10914678; PubMed 21668430.